The following is an entry in ClinVar:

NM_000289.6(PFKM):c.133G>A (p.Gly45Ser)

Gene: PFKM (phosphofructokinase, muscle; plus strand). Cytogenetic location: 12q13.11.
Variant type: single nucleotide variant.
Coding change: c.133G>A on transcript NM_000289.6 (MANE Select); coding-DNA position 133, G replaced by A.
Protein change: p.Gly45Ser; replaces glycine 45 with serine.
Molecular consequence: missense variant. On other transcripts: non-coding transcript variant (4), intron variant (2).
Genome position (GRCh38, 1-based): chr12:48,130,410, G>A. VCF-style: chr12-48130410-G-A. GRCh37 (hg19) VCF-style: chr12-48524193-G-A.
Other names: c.346G>A, p.Gly116Ser (NM_001166686.2, NM_001354737.1, NM_001354738.1 and 1 more transcripts); c.133G>A, p.Gly45Ser (NM_001166687.2, NM_001166688.2, NM_001354742.2 and 4 more transcripts); c.442G>A, p.Gly148Ser (NM_001354735.1, NM_001354736.1); c.277G>A, p.Gly93Ser (NM_001354740.1); c.157G>A, p.Gly53Ser (NM_001354741.2); c.46G>A, p.Gly16Ser (NM_001354745.2); c.10-906G>A (NM_001354747.2, NM_001354748.2); short protein forms G148S, G16S, G45S, G116S, G53S, G93S.
Identifiers: ClinVar variation 2140779 (VCV002140779.3), dbSNP rs569646523, ClinGen allele CA6536892.

ClinVar aggregate classification (germline): Uncertain significance. Review status: criteria provided, multiple submitters, no conflicts (2 of 4 stars). 3 submissions from 3 submitters: Uncertain significance (3). Last evaluated 2025-05-22.

Conditions:
Glycogen storage disease, type VII (GSD7). Also called: MUSCLE PHOSPHOFRUCTOKINASE DEFICIENCY; PFKM DEFICIENCY; TARUI DISEASE; GSD VII. Identifiers: Orphanet 371, MedGen C0017926, MONDO:0009295, OMIM 232800.

Allele frequency attached by ClinVar (database versions not stated): ExAC 0.00002; gnomAD 0.00002; TOPMed 0.00002; 1000 Genomes Project 30x 0.00016; 1000 Genomes Project 0.00020.
gnomAD v4.1: 59 of 1,613,270 alleles (0.0037%); highest among the groups gnomAD compares: Non-Finnish European, 0.0046%; no homozygotes.

Submissions (3):

Revvity Omics, Revvity
Classification: Uncertain significance for Glycogen storage disease, type VII. Last evaluated: 2025-05-22. Review status: criteria provided, single submitter. Criteria: ACMG Guidelines, 2015. Collection method: clinical testing. Allele origin: germline.

Blueprint Genetics
Classification: Uncertain significance. Last evaluated: 2024-07-17. Review status: criteria provided, single submitter. Criteria: ACMG Guidelines, 2015. Collection method: clinical testing. Allele origin: germline.

Labcorp Genetics (formerly Invitae), Labcorp
Classification: Uncertain significance for Glycogen storage disease, type VII. Last evaluated: 2022-06-15. Review status: criteria provided, single submitter. Criteria: Invitae Variant Classification Sherloc (09022015). Collection method: clinical testing. Allele origin: germline.
Comment: This sequence change replaces glycine, which is neutral and non-polar, with serine, which is neutral and polar, at codon 45 of the PFKM protein (p.Gly45Ser). This variant is present in population databases (rs569646523, gnomAD 0.004%). This variant has not been reported in the literature in individuals affected with PFKM-related conditions. Algorithms developed to predict the effect of missense changes on protein structure and function are either unavailable or do not agree on the potential impact of this missense change (SIFT: "Deleterious"; PolyPhen-2: "Probably Damaging"; Align-GVGD: "Class C0"). Algorithms developed to predict the effect of sequence changes on RNA splicing suggest that this variant may create or strengthen a splice site. In summary, the available evidence is currently insufficient to determine the role of this variant in disease. Therefore, it has been classified as a Variant of Uncertain Significance.